The following is an entry in ClinVar:

ClinVar aggregate classification (germline): Pathogenic/Likely pathogenic. Review status: criteria provided, multiple submitters, no conflicts (2 of 4 stars). 3 submissions from 3 submitters: Pathogenic (2); Likely pathogenic (1). Last evaluated 2024-01-29.

Conditions:
Mucopolysaccharidosis type 7 (MPS7). Also called: SLY SYNDROME; GUSB DEFICIENCY; MPS VII; BETA-GLUCURONIDASE DEFICIENCY. Identifiers: Orphanet 584, MedGen C0085132, MONDO:0009662, OMIM 253220.

Submissions (3):

Labcorp Genetics (formerly Invitae), Labcorp
Classification: Pathogenic for Mucopolysaccharidosis type 7. Last evaluated: 2024-01-29. Review status: criteria provided, single submitter. Criteria: Invitae Variant Classification Sherloc (09022015). Collection method: clinical testing. Allele origin: germline.
Comment: This sequence change creates a premature translational stop signal (p.Arg625Ilefs*7) in the GUSB gene. While this is not anticipated to result in nonsense mediated decay, it is expected to disrupt the last 27 amino acid(s) of the GUSB protein. This variant is not present in population databases (gnomAD no frequency). This premature translational stop signal has been observed in individual(s) with fetal hydrops (PMID: 8644704). This variant is also known as 1900ΔGA. ClinVar contains an entry for this variant (Variation ID: 633257). Algorithms developed to predict the effect of variants on protein structure and function are not available or were not evaluated for this variant. Experimental studies have shown that this premature translational stop signal affects GUSB function (PMID: 8644704). This variant disrupts a region of the GUSB protein in which other variant(s) (p.Trp627Cys) have been determined to be pathogenic (PMID: 7680524). This suggests that this is a clinically significant region of the protein, and that variants that disrupt it are likely to be disease-causing. For these reasons, this variant has been classified as Pathogenic.

Women's Health and Genetics/Laboratory Corporation of America, LabCorp
Classification: Pathogenic for Mucopolysaccharidosis type VII. Last evaluated: 2018-11-16. Review status: criteria provided, single submitter. Criteria: LabCorp Variant Classification Summary - May 2015. Collection method: clinical testing. Allele origin: germline.
Comment: Variant summary: GUSB c.1874_1875delGA (p.Arg625IlefsX7) results in a premature termination codon, predicted to cause a truncation of the encoded protein or absence of the protein due to nonsense mediated decay, which are commonly known mechanisms for disease. The variant was absent in 246272 control chromosomes (gnomAD). The variant, c.1874_1875delGA, has been reported in the literature in one individual affected with Mucopolysaccharidosis Type VI (Sly Syndrome)(Vervoort_1996). The same publication reports experimental evidence showing that this variant abolished enzyme activity completely. No clinical diagnostic laboratories have submitted clinical-significance assessments for this variant to ClinVar after 2014. Based on the evidence outlined above, the variant was classified as pathogenic.

Juno Genomics, Hangzhou Juno Genomics, Inc
Classification: Likely pathogenic for Mucopolysaccharidosis type 7. Review status: criteria provided, single submitter. Criteria: ACMG Guidelines, 2015. Collection method: clinical testing. Allele origin: germline.
Comment: Absent from controls (or at extremely low frequency if recessive) in Genome Aggregation Database.;Null variant in a gene where loss of function (LOF) is a known mechanism of disease.;For recessive disorders, detected in trans with a pathogenic variant.

Literature cited by the submitters: PubMed 8644704 (cited by Labcorp Genetics (formerly Invitae), Labcorp and Women's Health and Genetics/Laboratory Corporation of America, LabCorp); PubMed 7680524 (cited by Labcorp Genetics (formerly Invitae), Labcorp); PubMed 19224584 (cited by Women's Health and Genetics/Laboratory Corporation of America, LabCorp).

NM_000181.4(GUSB):c.1874_1875del (p.Arg625fs)

Gene: GUSB (glucuronidase beta; minus strand). Cytogenetic location: 7q11.21.
Variant type: Microsatellite.
Coding change: c.1874_1875del on transcript NM_000181.4 (MANE Select); coding-DNA positions 1874 to 1875, 2 bases deleted (GA; older notation c.1874_1875delGA).
Protein change: p.Arg625fs; shifts the reading frame from arginine 625.
Molecular consequence: frameshift variant. On other transcripts: non-coding transcript variant (1).
Genome position (GRCh38, 1-based): chr7:65,960,978-65,960,979, TC deleted on the plus strand (GA on the coding strand, the reverse complement: GUSB is on the minus strand); deleting any 2 consecutive bases within chr7:65,960,978-65,960,985 gives the same sequence; the c. name uses the placement nearest the transcript's 3' end. VCF-style (leftmost placement, unchanged base first): chr7-65960977-ATC-A. GRCh37 (hg19) VCF-style: chr7-65425964-ATC-A.
Other names: c.1436_1437del, p.Arg479fs (NM_001284290.2); c.1304_1305del, p.Arg435fs (NM_001293104.2); c.1217_1218del, p.Arg406fs (NM_001293105.2); short protein forms R406fs, R435fs, R625fs, R479fs.
Identifiers: ClinVar variation 633257 (VCV000633257.6), dbSNP rs935464108, ClinGen allele CA159904443.